The following is an entry in ClinVar:

NM_001999.4(FBN2):c.7514T>C (p.Ile2505Thr)

Gene: FBN2 (fibrillin 2; minus strand). Cytogenetic location: 5q23.3.
Variant type: single nucleotide variant.
Coding change: c.7514T>C on transcript NM_001999.4 (MANE Select); coding-DNA position 7514, T replaced by C.
Protein change: p.Ile2505Thr; replaces isoleucine 2505 with threonine.
Molecular consequence: missense variant.
Genome position (GRCh38, 1-based): chr5:128,276,118, A>G on the plus strand (T>C on the coding strand, the complement: FBN2 is on the minus strand). VCF-style: chr5-128276118-A-G. GRCh37 (hg19) VCF-style: chr5-127611810-A-G.
Other names: short protein forms I2505T.
Identifiers: ClinVar variation 3849193 (VCV003849193.1).
Genomic context (GRCh38, chr5:128,276,118, plus strand): 5'-TCTTGCAGGACATACCCCCTCGGACATGAACACTGATAACTCCCCTCAGTGTTCTTGCAG[A>G]TGTAGTTGCATGGTTTCGGGGACTGGGAGCATTCATCAAGGTCTAAGTAAAAGTGATGTG-3'
Protein context (NP_001990.2, residues 2495-2515): CSQSPKPCNY[Ile2505Thr]CKNTEGSYQC

ClinVar aggregate classification (germline): Uncertain significance (1 of 4 stars; one submission).

Conditions:
Familial thoracic aortic aneurysm and aortic dissection (TAAD). Also called: Thoracic aortic aneurysms and dissections. Identifiers: Orphanet 91387, MedGen C4707243, MONDO:0019625.

gnomAD v4.1: 2 of 1,613,634 alleles (0.00012%); no homozygotes.

Submission:

Ambry Genetics
Classification: Uncertain significance for Familial thoracic aortic aneurysm and aortic dissection. Last evaluated: 2025-01-04. Review status: criteria provided, single submitter. Criteria: Ambry Variant Classification Scheme 2023. Collection method: clinical testing. Allele origin: germline.
Comment: The p.I2505T variant (also known as c.7514T>C), located in coding exon 59 of the FBN2 gene, results from a T to C substitution at nucleotide position 7514. The isoleucine at codon 2505 is replaced by threonine, an amino acid with similar properties. This amino acid position is well conserved in available vertebrate species. In addition, the in silico prediction for this alteration is inconclusive. Based on the available evidence, the clinical significance of this variant remains unclear.